The following is an entry in ClinVar:

NM_004006.3(DMD):c.1181G>T (p.Gly394Val)

Gene: DMD (dystrophin; minus strand). Cytogenetic location: Xp21.1.
Variant type: single nucleotide variant.
Coding change: c.1181G>T on transcript NM_004006.3 (MANE Select); coding-DNA position 1181, G replaced by T.
Protein change: p.Gly394Val; replaces glycine 394 with valine.
Molecular consequence: missense variant.
Genome position (GRCh38, 1-based): chrX:32,644,282, C>A on the plus strand (G>T on the coding strand, the complement: DMD is on the minus strand). VCF-style: chrX-32644282-C-A. GRCh37 (hg19) VCF-style: chrX-32662399-C-A.
Other names: c.1157G>T, p.Gly386Val (NM_000109.4); c.1169G>T, p.Gly390Val (NM_004009.3); c.812G>T, p.Gly271Val (NM_004010.3); short protein forms G394V, G386V, G390V, G271V.
Identifiers: ClinVar variation 4705269 (VCV004705269.1).

ClinVar aggregate classification (germline): Uncertain significance (1 of 4 stars; one submission).

Conditions:
Duchenne muscular dystrophy (DMD). Also called: MUSCULAR DYSTROPHY, PSEUDOHYPERTROPHIC PROGRESSIVE, DUCHENNE TYPE; Duchenne Muscular Dystrophy (DMD). Identifiers: Orphanet 98896, MedGen C0013264, MONDO:0010679, OMIM 310200.

gnomAD v4.1: 1 of 1,211,028 alleles (0.000083%); highest among the groups gnomAD compares: Admixed American, 0.0022%; no homozygotes.

Submission:

Labcorp Genetics (formerly Invitae), Labcorp
Classification: Uncertain significance for Duchenne muscular dystrophy. Last evaluated: 2025-07-08. Review status: criteria provided, single submitter. Criteria: Invitae Variant Classification Sherloc (09022015). Collection method: clinical testing. Allele origin: germline.
Comment: This sequence change replaces glycine, which is neutral and non-polar, with valine, which is neutral and non-polar, at codon 394 of the DMD protein (p.Gly394Val). This variant is present in population databases (rs747399187, gnomAD 0.004%). This variant has not been reported in the literature in individuals affected with DMD-related conditions. Invitae Evidence Modeling of protein sequence and biophysical properties (such as structural, functional, and spatial information, amino acid conservation, physicochemical variation, residue mobility, and thermodynamic stability) indicates that this missense variant is not expected to disrupt DMD protein function with a negative predictive value of 95%. In summary, the available evidence is currently insufficient to determine the role of this variant in disease. Therefore, it has been classified as a Variant of Uncertain Significance.